The following is an entry in ClinVar:

NM_000123.4(ERCC5):c.3184A>G (p.Asn1062Asp)

Genes: BIVM-ERCC5 (BIVM-ERCC5 readthrough; plus strand), ERCC5 (ERCC excision repair 5, endonuclease; plus strand). Cytogenetic location: 13q33.1.
Variant type: single nucleotide variant.
Coding change: c.3184A>G on transcript NM_000123.4 (MANE Select); coding-DNA position 3184, A replaced by G.
Protein change: p.Asn1062Asp; replaces asparagine 1062 with aspartic acid.
Molecular consequence: missense variant.
Genome position (GRCh38, 1-based): chr13:102,875,526, A>G. VCF-style: chr13-102875526-A-G. GRCh37 (hg19) VCF-style: chr13-103527876-A-G.
Other names: c.4546A>G, p.Asn1516Asp (NM_001204425.2); short protein forms N1062D, N1516D.
Identifiers: ClinVar variation 1521396 (VCV001521396.6), dbSNP rs764475818, ClinGen allele CA7041846.

ClinVar aggregate classification (germline): Uncertain significance. Review status: criteria provided, multiple submitters, no conflicts (2 of 4 stars). 2 submissions from 2 submitters: Uncertain significance (2). Last evaluated 2022-01-16.

Conditions:
Hereditary cancer-predisposing syndrome. Also called: Hereditary neoplastic syndrome; Hereditary Cancer Syndrome; Tumor predisposition; Neoplastic Syndromes, Hereditary. Identifiers: Orphanet 140162, MedGen C0027672, MeSH D009386, MONDO:0015356.

Allele frequency attached by ClinVar (database versions not stated): TOPMed 0.00006; ExAC 0.00007; gnomAD 0.00007 and 0.00008; gnomAD exomes 0.00008 and 0.00011.
gnomAD v4.1: 170 of 1,613,994 alleles (0.011%); highest among the groups gnomAD compares: Non-Finnish European, 0.014%; no homozygotes.

Submissions (2):

Sema4
Classification: Uncertain significance for Hereditary cancer-predisposing syndrome. Last evaluated: 2022-01-16. Review status: criteria provided, single submitter. Criteria: Sema4 Curation Guidelines. Collection method: curation. Allele origin: germline.
Comment: The ERCC5 c.3184A>G (p.N1062D) variant has not been reported in the literature to our knowledge. This variant has been observed in 22/128812 chromosomes of the Non-Finnish European subpopulation, with no homozygotes, in the large and broad cohorts of the Genome Aggregation Database (PMID: 32461654). The variant has not been reported in ClinVar. In silico tools suggest the impact of the variant on protein function is benign, though these predictions have not been confirmed by functional studies. The overall evidence is insufficient to meet ACMG/AMP criteria for classifying it as benign or pathogenic. Thus, the clinical significance of this variant is currently uncertain.

Labcorp Genetics (formerly Invitae), Labcorp
Classification: Uncertain significance. Last evaluated: 2021-11-01. Review status: criteria provided, single submitter. Criteria: Invitae Variant Classification Sherloc (09022015). Collection method: clinical testing. Allele origin: germline.
Comment: In summary, the available evidence is currently insufficient to determine the role of this variant in disease. Therefore, it has been classified as a Variant of Uncertain Significance. Algorithms developed to predict the effect of missense changes on protein structure and function (SIFT, PolyPhen-2, Align-GVGD) all suggest that this variant is likely to be tolerated. This variant has not been reported in the literature in individuals affected with ERCC5-related conditions. This variant is present in population databases (rs764475818, gnomAD 0.02%). This sequence change replaces asparagine, which is neutral and polar, with aspartic acid, which is acidic and polar, at codon 1062 of the ERCC5 protein (p.Asn1062Asp).